The following is an entry in ClinVar:

NM_024675.4(PALB2):c.3113G>C (p.Trp1038Ser)

Gene: PALB2 (partner and localizer of BRCA2; minus strand). Cytogenetic location: 16p12.2.
Variant type: single nucleotide variant.
Coding change: c.3113G>C on transcript NM_024675.4 (MANE Select); coding-DNA position 3113, G replaced by C.
Protein change: p.Trp1038Ser; replaces tryptophan 1038 with serine.
Molecular consequence: missense variant. On other transcripts: intron variant (1).
Genome position (GRCh38, 1-based): chr16:23,621,362, C>G on the plus strand (G>C on the coding strand, the complement: PALB2 is on the minus strand). VCF-style: chr16-23621362-C-G. GRCh37 (hg19) VCF-style: chr16-23632683-C-G.
Other names: c.3053G>C, p.Trp1018Ser (NM_001407296.1); c.3041G>C, p.Trp1014Ser (NM_001407297.1); c.2951G>C, p.Trp984Ser (NM_001407298.1, NM_001407302.1); c.3113G>C, p.Trp1038Ser (NM_001407299.1, NM_001407301.1); c.2228G>C, p.Trp743Ser (NM_001407304.1, NM_001407305.1, NM_001407306.1 and 4 more transcripts); c.2066G>C, p.Trp689Ser (NM_001407307.1); c.1325G>C, p.Trp442Ser (NM_001407312.1, NM_001407313.1); c.647G>C, p.Trp216Ser (NM_001407314.1); and 1 more; short protein forms W1014S, W1018S, W1038S, W216S, W442S, W689S, W743S, W984S.
Identifiers: ClinVar variation 2673836 (VCV002673836.1), dbSNP rs180177132, ClinGen allele CA395142753.

ClinVar aggregate classification (germline): Likely pathogenic (1 of 4 stars; one submission).

Conditions:
Familial cancer of breast. Also called: Hereditary breast cancer; BREAST CANCER, FAMILIAL; hereditary breast carcinoma. Identifiers: Orphanet 227535, MedGen C0346153, MONDO:0016419, OMIM 114480. Disease mechanism: loss of function.

Submission:

Myriad Genetics, Inc.
Classification: Likely pathogenic for Familial cancer of breast. Last evaluated: 2023-09-14. Review status: criteria provided, single submitter. Criteria: Myriad Autosomal Dominant, Autosomal Recessive and X-Linked Classification Criteria (2023). Collection method: clinical testing. Allele origin: unknown.
Comment: This variant is considered likely pathogenic. mRNA analysis has demonstrated abnormal mRNA splicing occurs [Myriad internal data].